The following is an entry in ClinVar:

ClinVar aggregate classification (germline): Uncertain significance. Review status: reviewed by expert panel (3 of 4 stars). 3 submissions from 3 submitters: Uncertain significance (1). 2 of the submissions do not count toward it. Last evaluated 2024-01-23.

Conditions:
T-B+ severe combined immunodeficiency due to JAK3 deficiency. Also called: SCID, autosomal recessive, T-negative/B-positive type; SCID, T CELL-NEGATIVE, B CELL-POSITIVE, NK CELL-NEGATIVE. Identifiers: Orphanet 35078, MedGen C1833275, MONDO:0010938, OMIM 600802.

Allele frequency attached by ClinVar (database versions not stated): TOPMed below 0.00001; gnomAD exomes 0.00001.
gnomAD v4.1: 11 of 1,600,120 alleles (0.00069%); highest among the groups gnomAD compares: Middle Eastern, 0.017%; no homozygotes.

Submissions (3):

ClinGen Severe Combined Immunodeficiency Variant Curation Expert Panel, ClinGen
Classification: Uncertain significance for T-B+ severe combined immunodeficiency due to JAK3 deficiency. Last evaluated: 2024-01-23. Review status: reviewed by expert panel. Criteria: ClinGen SCID ACMG Specifications JAK3 V1.0.0. Collection method: curation. Allele origin: germline. Inheritance: Autosomal recessive inheritance.
Comment: The c.349C>T (NM_000215.4) variant in JAK3 is a missense variant predicted to cause the substitution of Arginine by Cysteine at amino acid 117 (p.Arg117Cys). The highest population minor allele frequency in gnomAD v2.1.1 is 0.0001755 (1/5698 alleles) in the "Other" population; this frequency will not be considered here as the "Other" population is characterized on gnomAD as a bottleneck population. The second highest MAF is 0.00003543 (1/28224 alleles) in the South Asia population, which is lower than the ClinGen SCID VCEP threshold (<0.000115) for PM2_Supporting, meeting this criterion (PM2_Supporting). No homozygotes have been observed in gnomAD (BS2 is not met). This variant has been described in at least two patients in the literature (PMIDs: 32215810 and 23069490). At least one patient with this variant displayed: *Diagnostic criteria for Leaky SCID 0.5 pts + *Reduced or constitutive cytokine-induced JAK3 tyrosine phosphorylation in patient cells 1 pt + *T-B+NK- lymphocyte subset profile not applied because only IL7R was sequenced, so we can not rule out alternative cause. Total is 1.5 points, PP4_Supporting (PMID: 23069490). The patient is homozygous for this variant (0.5 pts, PM3_Supporting, PMID: 23069490) In summary, this variant meets the criteria to be classified as a variant of uncertain significance for autosomal recessive T-B+ severe combined immunodeficiency due to JAK3 deficiency based on the ACMG/AMP criteria applied, as specified by the ClinGen SCID VCEP. Criteria applied: PM2_Supporting, PM3_Supporting, and PP4_Supporting (VCEP specifications version 1.0).

Labcorp Genetics (formerly Invitae), Labcorp
Classification: Uncertain significance for T-B+ severe combined immunodeficiency due to JAK3 deficiency. Last evaluated: 2022-07-19. Review status: criteria provided, single submitter. Criteria: Invitae Variant Classification Sherloc (09022015). Collection method: clinical testing. Allele origin: germline. Not counted in ClinVar's aggregate classification.
Comment: This sequence change replaces arginine, which is basic and polar, with cysteine, which is neutral and slightly polar, at codon 117 of the JAK3 protein (p.Arg117Cys). The frequency data for this variant in the population databases is considered unreliable, as metrics indicate poor data quality at this position in the gnomAD database. This missense change has been observed in individuals with atypical severe combined immunodeficiency (SCID) in the homozygous and compound heterozygous states (PMID: 23069490, 32215810). ClinVar contains an entry for this variant (Variation ID: 381576). Advanced modeling of protein sequence and biophysical properties (such as structural, functional, and spatial information, amino acid conservation, physicochemical variation, residue mobility, and thermodynamic stability) performed at Invitae indicates that this missense variant is expected to disrupt JAK3 protein function. In summary, the available evidence is currently insufficient to determine the role of this variant in disease. Therefore, it has been classified as a Variant of Uncertain Significance.

GeneDx
Classification: Likely pathogenic. Last evaluated: 2016-01-23. Review status: criteria provided, single submitter. Criteria: GeneDx Variant Classification (06012015). Collection method: clinical testing. Allele origin: germline. Affected: yes. Not counted in ClinVar's aggregate classification.
Comment: The R117C likely pathogenic variant in the JAK3 gene has been previously published as homozygous in a patient with SCID (Farnault et al., 2013). The variant was not observed in approximately 6,500 individuals of European and African American ancestry in the NHLBI Exome Sequencing Project, indicating it is not a common benign variant in these populations. R117C is a non-conservative amino acid substitution, which is likely to impact secondary protein structure as these residues differ in polarity, charge, size and/or other properties. This substitution occurs at a position within the FERM domain that is conserved across species, and in silico analysis predicts this variant is probably damaging to the protein structure/function. Therefore, this variant is likely pathogenic; however, the possibility that it is benign cannot be excluded.

Literature cited by the submitters: PubMed 23069490 (cited by Labcorp Genetics (formerly Invitae), Labcorp); PubMed 32215810 (cited by Labcorp Genetics (formerly Invitae), Labcorp).

NM_000215.4(JAK3):c.349C>T (p.Arg117Cys)

Gene: JAK3 (Janus kinase 3; minus strand). Cytogenetic location: 19p13.11.
Variant type: single nucleotide variant.
Coding change: c.349C>T on transcript NM_000215.4 (MANE Select); coding-DNA position 349, C replaced by T.
Protein change: p.Arg117Cys; replaces arginine 117 with cysteine.
Molecular consequence: missense variant.
Genome position (GRCh38, 1-based): chr19:17,843,451, G>A on the plus strand (C>T on the coding strand, the complement: JAK3 is on the minus strand). VCF-style: chr19-17843451-G-A. GRCh37 (hg19) VCF-style: chr19-17954260-G-A.
Other names: NM_000215.4(JAK3):c.349C>T; p.Arg117Cys; short protein forms R117C.
Identifiers: ClinVar variation 381576 (VCV000381576.7), dbSNP rs201233697, ClinGen allele CA16608977.